The following is an entry in ClinVar:

ClinVar aggregate classification (germline): Benign. Review status: criteria provided, multiple submitters, no conflicts (2 of 4 stars). 5 submissions from 5 submitters: Benign (4). 1 of the submissions does not count toward it. Last evaluated 2023-09-13.

Conditions:
MPI-congenital disorder of glycosylation. Also called: CDG Ib; MPI-CDG; CONGENITAL DISORDER OF GLYCOSYLATION, TYPE Ib; MANNOSEPHOSPHATE ISOMERASE DEFICIENCY; PROTEIN-LOSING ENTEROPATHY-HEPATIC FIBROSIS SYNDROME; MPI DEFICIENCY. Identifiers: Orphanet 79319, MedGen C1865145, MONDO:0011257, OMIM 602579.

Allele frequency attached by ClinVar (database versions not stated): ESP Exome Variant Server 0.00539; 1000 Genomes Project 30x 0.00796; 1000 Genomes Project 0.00839; ExAC 0.01143; TOPMed 0.01159; gnomAD 0.01213 and 0.01224; gnomAD exomes 0.01250.
gnomAD v4.1: 26,274 of 1,612,636 alleles (1.6%); highest among the groups gnomAD compares: Non-Finnish European, 1.9%; 228 homozygotes.

Submissions (5):

Labcorp Genetics (formerly Invitae), Labcorp
Classification: Benign for MPI-congenital disorder of glycosylation. Last evaluated: 2023-09-13. Review status: criteria provided, single submitter. Criteria: Invitae Variant Classification Sherloc (09022015). Collection method: clinical testing. Allele origin: germline.

GeneDx
Classification: Benign. Last evaluated: 2016-04-25. Review status: criteria provided, single submitter. Criteria: GeneDx Variant Classification (06012015). Collection method: clinical testing. Allele origin: germline. Affected: yes.
Comment: This variant is considered likely benign or benign based on one or more of the following criteria: it is a conservative change, it occurs at a poorly conserved position in the protein, it is predicted to be benign by multiple in silico algorithms, and/or has population frequency not consistent with disease.

Eurofins Ntd Llc (ga)
Classification: Benign. Last evaluated: 2012-10-16. Review status: criteria provided, single submitter. Criteria: EGL Classification Definitions 2015. Collection method: clinical testing. Allele origin: germline. Observed: 2 variant alleles, 2 heterozygotes.

Breakthrough Genomics
Classification: Benign. Review status: criteria provided, single submitter. Criteria: ACMG Guidelines, 2015. Collection method: not provided. Allele origin: germline. Inheritance: Autosomal recessive inheritance. Affected: yes.

Counsyl
Classification: Benign for MPI-congenital disorder of glycosylation. Last evaluated: 2017-08-01. Review status: no assertion criteria provided. Collection method: clinical testing. Allele origin: unknown. Not counted in ClinVar's aggregate classification.

NM_002435.3(MPI):c.345+16C>T

Gene: MPI (mannose phosphate isomerase; plus strand). Cytogenetic location: 15q24.1.
Variant type: single nucleotide variant.
Coding change: c.345+16C>T on transcript NM_002435.3 (MANE Select); 16 bases into the intron after coding-DNA position 345, C replaced by T.
Molecular consequence: intron variant.
Genome position (GRCh38, 1-based): chr15:74,891,595, C>T. VCF-style: chr15-74891595-C-T. GRCh37 (hg19) VCF-style: chr15-75183936-C-T.
Other names: c.285+16C>T (NM_001330372.2); c.345+16C>T (NM_001289155.2, NM_001289157.2); c.195+16C>T (NM_001289156.2).
Identifiers: ClinVar variation 94068 (VCV000094068.14), dbSNP rs143242949, ClinGen allele CA147580.